The following is an entry in ClinVar:

NM_031935.3(HMCN1):c.9452C>A (p.Pro3151His)

Gene: HMCN1 (hemicentin 1; plus strand). Cytogenetic location: 1q31.1.
Variant type: single nucleotide variant.
Coding change: c.9452C>A on transcript NM_031935.3 (MANE Select); coding-DNA position 9452, C replaced by A.
Protein change: p.Pro3151His; replaces proline 3151 with histidine.
Molecular consequence: missense variant.
Genome position (GRCh38, 1-based): chr1:186,088,151, C>A. VCF-style: chr1-186088151-C-A. GRCh37 (hg19) VCF-style: chr1-186057283-C-A.
Other names: c.9452C>A (NM_031935.2); short protein forms P3151H.
Identifiers: ClinVar variation 1485696 (VCV001485696.7), dbSNP rs779141963, ClinGen allele CA1293443.
Genomic context (GRCh38, chr1:186,088,151, plus strand): 5'-GGACAAATGATTTTCTTCTGTTTTTTTGTTTGTTTGTTTGTTTGTTTTTTACAGTGCCAC[C>A]CAGTATTGAAGGACCTGAAAGAGAAGTGATTGTGGAGACGATCAGCAATCCTGTGACATT-3'
Protein context (NP_114141.2, residues 3141-3161): KNFHLNVYVP[Pro3151His]SIEGPEREVI

ClinVar aggregate classification (germline): Uncertain significance. Review status: criteria provided, multiple submitters, no conflicts (2 of 4 stars). 2 submissions from 2 submitters: Uncertain significance (2). Last evaluated 2024-12-23.

Allele frequency attached by ClinVar (database versions not stated): TOPMed below 0.00001; ExAC 0.00001; gnomAD 0.00001; gnomAD exomes 0.00001.
gnomAD v4.1: 13 of 1,607,540 alleles (0.00081%); highest among the groups gnomAD compares: East Asian, 0.016%; no homozygotes.

Submissions (2):

Labcorp Genetics (formerly Invitae), Labcorp
Classification: Uncertain significance. Last evaluated: 2024-12-23. Review status: criteria provided, single submitter. Criteria: Invitae Variant Classification Sherloc (09022015). Collection method: clinical testing. Allele origin: germline.
Comment: This sequence change replaces proline, which is neutral and non-polar, with histidine, which is basic and polar, at codon 3151 of the HMCN1 protein (p.Pro3151His). This variant is present in population databases (rs779141963, gnomAD 0.02%). This variant has not been reported in the literature in individuals affected with HMCN1-related conditions. ClinVar contains an entry for this variant (Variation ID: 1485696). An algorithm developed to predict the effect of missense changes on protein structure and function (PolyPhen-2) suggests that this variant is likely to be disruptive. In summary, the available evidence is currently insufficient to determine the role of this variant in disease. Therefore, it has been classified as a Variant of Uncertain Significance.

Ambry Genetics
Classification: Uncertain significance. Last evaluated: 2024-04-23. Review status: criteria provided, single submitter. Criteria: Ambry Variant Classification Scheme 2023. Collection method: clinical testing. Allele origin: germline.